The following is an entry in ClinVar:

NM_024675.4(PALB2):c.1660_1666del (p.Glu554fs)

Gene: PALB2 (partner and localizer of BRCA2; minus strand). Cytogenetic location: 16p12.2.
Variant type: Deletion.
Coding change: c.1660_1666del on transcript NM_024675.4 (MANE Select); coding-DNA positions 1660 to 1666, 7 bases deleted (GAAAAAT; older notation c.1660_1666delGAAAAAT).
Protein change: p.Glu554fs; shifts the reading frame from glutamic acid 554.
Molecular consequence: frameshift variant.
Genome position (GRCh38, 1-based): chr16:23,634,880-23,634,886, ATTTTTC deleted on the plus strand (GAAAAAT on the coding strand, the reverse complement: PALB2 is on the minus strand). VCF-style (leftmost placement, unchanged base first): chr16-23634879-AATTTTTC-A. GRCh37 (hg19) VCF-style: chr16-23646200-AATTTTTC-A.
Other names: c.1600_1606delGAAAAAT, p.Glu534Tyrfs (NM_001407296.1); c.1660_1666delGAAAAAT, p.Glu554Tyrfs (NM_001407297.1, NM_001407298.1, NM_001407299.1 and 3 more transcripts); c.775_781delGAAAAAT, p.Glu259Tyrfs (NM_001407304.1, NM_001407305.1, NM_001407306.1 and 5 more transcripts); c.1660_1666delGAAAAAT (NM_024675.4); short protein forms E554fs.
Identifiers: ClinVar variation 1777474 (VCV001777474.5), dbSNP rs2506469754, ClinGen allele CA2580091240.

ClinVar aggregate classification (germline): Pathogenic. Review status: criteria provided, multiple submitters, no conflicts (2 of 4 stars). 2 submissions from 2 submitters: Pathogenic (2). Last evaluated 2025-12-29.

Conditions:
Hereditary cancer-predisposing syndrome. Also called: Neoplastic Syndromes, Hereditary; Tumor predisposition; Hereditary Cancer Syndrome; Hereditary neoplastic syndrome. Identifiers: Orphanet 140162, MedGen C0027672, MeSH D009386, MONDO:0015356.

Submissions (2):

Center for Genomic Medicine, Rigshospitalet, Copenhagen University Hospital
Classification: Pathogenic. Last evaluated: 2025-12-29. Review status: criteria provided, single submitter. Criteria: ACMG Guidelines, 2015. Collection method: clinical testing. Allele origin: germline.
Comment: Classification criteria: PVS1, PM2_supporting, PM5_supporting

Ambry Genetics
Classification: Pathogenic for Hereditary cancer-predisposing syndrome. Last evaluated: 2021-05-19. Review status: criteria provided, single submitter. Criteria: Ambry Variant Classification Scheme 2023. Collection method: clinical testing. Allele origin: germline.
Comment: The c.1660_1666delGAAAAAT pathogenic mutation, located in coding exon 4 of the PALB2 gene, results from a deletion of 7 nucleotides at nucleotide positions 1660 to 1666, causing a translational frameshift with a predicted alternate stop codon (p.E554Yfs*5). This alteration is expected to result in loss of function by premature protein truncation or nonsense-mediated mRNA decay. As such, this alteration is interpreted as a disease-causing mutation.